The following is an entry in ClinVar:

ClinVar aggregate classification (germline): Uncertain significance. Review status: criteria provided, multiple submitters, no conflicts (2 of 4 stars). 2 submissions from 2 submitters: Uncertain significance (2). Last evaluated 2026-03-21.

Allele frequency attached by ClinVar (database versions not stated): gnomAD exomes 0.00007 and 0.00010; gnomAD 0.00009 and 0.00007; TOPMed 0.00011; ExAC 0.00007; ESP Exome Variant Server 0.00008; 1000 Genomes Project 30x 0.00016; 1000 Genomes Project 0.00020.
gnomAD v4.1: 119 of 1,613,058 alleles (0.0074%); highest among the groups gnomAD compares: Admixed American, 0.035%; no homozygotes.

Submissions (2):

GeneDx
Classification: Uncertain significance. Last evaluated: 2026-03-21. Review status: criteria provided, single submitter. Criteria: GeneDx Variant Classification Process June 2021. Collection method: clinical testing. Allele origin: germline.
Comment: In silico analysis suggests that this missense variant does not alter protein structure/function; Has not been previously published as pathogenic or benign to our knowledge

Labcorp Genetics (formerly Invitae), Labcorp
Classification: Uncertain significance. Last evaluated: 2025-10-23. Review status: criteria provided, single submitter. Criteria: Invitae Variant Classification Sherloc (09022015). Collection method: clinical testing. Allele origin: germline.
Comment: This sequence change replaces arginine, which is basic and polar, with glutamine, which is neutral and polar, at codon 1078 of the COL18A1 protein (p.Arg1078Gln). This variant is present in population databases (rs199583095, gnomAD 0.03%). This variant has not been reported in the literature in individuals affected with COL18A1-related conditions. ClinVar contains an entry for this variant (Variation ID: 1367516). Experimental studies and prediction algorithms are not available or were not evaluated, and the functional significance of this variant is currently unknown. In summary, the available evidence is currently insufficient to determine the role of this variant in disease. Therefore, it has been classified as a Variant of Uncertain Significance.

NM_001379500.1(COL18A1):c.3242G>A (p.Arg1081Gln)

Genes: SLC19A1 (solute carrier family 19 member 1; minus strand), COL18A1 (collagen type XVIII alpha 1 chain; plus strand). Cytogenetic location: 21q22.3.
Variant type: single nucleotide variant.
Coding change: c.3242G>A on transcript NM_001379500.1 (MANE Select); coding-DNA position 3242, G replaced by A.
Protein change: p.Arg1081Gln; replaces arginine 1081 with glutamine.
Molecular consequence: missense variant.
Genome position (GRCh38, 1-based): chr21:45,507,586, G>A. VCF-style: chr21-45507586-G-A. GRCh37 (hg19) VCF-style: chr21-46927500-G-A.
Other names: NM_130445.2:c.3233G>A; c.3773G>A, p.Arg1258Gln (NM_030582.4); c.4478G>A, p.Arg1493Gln (NM_130444.3); short protein forms R1081Q, R1493Q, R1258Q.
Identifiers: ClinVar variation 1367516 (VCV001367516.7), dbSNP rs199583095, ClinGen allele CA10067800.